The following is an entry in ClinVar:

ClinVar aggregate classification (germline): Benign/Likely benign. Review status: criteria provided, multiple submitters, no conflicts (2 of 4 stars). 3 submissions from 3 submitters: Benign (1); Likely benign (2). Last evaluated 2025-12-29.

Conditions:
Hereditary cancer-predisposing syndrome. Also called: Hereditary Cancer Syndrome; Neoplastic Syndromes, Hereditary; Tumor predisposition; Hereditary neoplastic syndrome. Identifiers: Orphanet 140162, MedGen C0027672, MeSH D009386, MONDO:0015356.
BAP1-related tumor predisposition syndrome (TPDS1). Also called: Tumor susceptibility linked to germline BAP1 mutations; BAP1 tumor predisposition syndrome; COMMON Syndrome; TUMOR PREDISPOSITION SYNDROME 1. Identifiers: Orphanet 289539, MedGen C3280492, MONDO:0013692, OMIM 614327.

Allele frequency attached by ClinVar (database versions not stated): gnomAD 0.00001; gnomAD exomes 0.00001 and 0.00003; ExAC 0.00002.

Submissions (3):

Labcorp Genetics (formerly Invitae), Labcorp
Classification: Likely benign for BAP1-related tumor predisposition syndrome. Last evaluated: 2025-12-29. Review status: criteria provided, single submitter. Criteria: Invitae Variant Classification Sherloc (09022015). Collection method: clinical testing. Allele origin: germline.

Myriad Genetics, Inc.
Classification: Benign for BAP1-related tumor predisposition syndrome. Last evaluated: 2024-07-17. Review status: criteria provided, single submitter. Criteria: Myriad Autosomal Dominant, Autosomal Recessive and X-Linked Classification Criteria (2023). Collection method: clinical testing. Allele origin: unknown.
Comment: This variant is considered benign. This variant is intronic and is not expected to impact mRNA splicing. This variant has been observed at a population frequency that is significantly greater than expected given the associated disease prevalence and penetrance.

Color Diagnostics, LLC DBA Color Health
Classification: Likely benign for Hereditary cancer-predisposing syndrome. Last evaluated: 2016-11-28. Review status: criteria provided, single submitter. Criteria: ACMG Guidelines, 2015. Collection method: clinical testing. Allele origin: germline.

NM_004656.4(BAP1):c.2056+7G>A

Gene: BAP1 (BRCA1 associated deubiquitinase 1; minus strand). Cytogenetic location: 3p21.1.
Variant type: single nucleotide variant.
Coding change: c.2056+7G>A on transcript NM_004656.4 (MANE Select); 7 bases into the intron after coding-DNA position 2056, G replaced by A.
Molecular consequence: intron variant.
Genome position (GRCh38, 1-based): chr3:52,402,595, C>T on the plus strand (G>A on the coding strand, the complement: BAP1 is on the minus strand). VCF-style: chr3-52402595-C-T. GRCh37 (hg19) VCF-style: chr3-52436611-C-T.
Identifiers: ClinVar variation 490837 (VCV000490837.14), dbSNP rs547941257, ClinGen allele CA2436616.